The following is an entry in ClinVar:

ClinVar aggregate classification (germline): Uncertain significance. Review status: criteria provided, multiple submitters, no conflicts (2 of 4 stars). 2 submissions from 2 submitters: Uncertain significance (2). Last evaluated 2024-05-15.

Conditions:
Inborn genetic diseases. Identifiers: MedGen C0950123, MeSH D030342.
Neurodevelopmental disorder with severe motor impairment and absent language. Also called: NEURODEVELOPMENTAL DISORDER WITH VARIABLE MOTOR AND LANGUAGE IMPAIRMENT. Identifiers: Orphanet 647788, MedGen C4540496, MONDO:0060622, OMIM 617804.

gnomAD v4.1: 2 of 1,596,804 alleles (0.00013%); highest among the groups gnomAD compares: African/African-American, 0.0013%; no homozygotes.

Submissions (2):

Pittsburgh Clinical Genomics Laboratory, University of Pittsburgh Medical Center
Classification: Uncertain significance for Neurodevelopmental disorder with severe motor impairment and absent language. Last evaluated: 2024-05-15. Review status: criteria provided, single submitter. Criteria: ACMG Guidelines, 2015. Collection method: clinical testing. Allele origin: germline. Inheritance: Autosomal dominant inheritance. Affected: yes.
Comment: This sequence variant is a single nucleotide substitution (G>C) at position 3548 of the coding sequence of the DHX30 gene that results in a cysteine to serine amino acid change at residue 1183 of the DExH-box helicase 30 protein. This variant is absent from ClinVar. This variant is absent from the gnomAD population database (0/~152000 alleles). Multiple bioinformatic tools predict that this cysteine to serine amino acid change would be neutral, and the Cys1183 residue at this position is highly conserved across the vertebrate species examined. Studies examining the functional consequence of this variant have not been published, to our knowledge. At this time, there is insufficient evidence to determine if this variant is pathogenic or benign. Therefore, we consider this a variant of uncertain significance. ACMG Criteria: BP4, PM2, PP2

Ambry Genetics
Classification: Uncertain significance for Inborn genetic diseases. Last evaluated: 2024-04-08. Review status: criteria provided, single submitter. Criteria: Ambry Variant Classification Scheme 2023. Collection method: clinical testing. Allele origin: germline.

NM_138615.3(DHX30):c.3548G>C (p.Cys1183Ser)

Gene: DHX30 (DExH-box helicase 30; plus strand). Cytogenetic location: 3p21.31.
Variant type: single nucleotide variant.
Coding change: c.3548G>C on transcript NM_138615.3 (MANE Select); coding-DNA position 3548, G replaced by C.
Protein change: p.Cys1183Ser; replaces cysteine 1183 with serine.
Molecular consequence: missense variant.
Genome position (GRCh38, 1-based): chr3:47,850,083, G>C. VCF-style: chr3-47850083-G-C. GRCh37 (hg19) VCF-style: chr3-47891573-G-C.
Other names: c.3464G>C, p.Cys1155Ser (NM_001330990.2); c.3431G>C, p.Cys1144Ser (NM_014966.4); short protein forms C1155S, C1183S, C1144S.
Identifiers: ClinVar variation 3271860 (VCV003271860.2).